The following is an entry in ClinVar:

NM_025137.4(SPG11):c.4874dup (p.Phe1626fs)

Gene: SPG11 (SPG11 vesicle trafficking associated, spatacsin; minus strand). Cytogenetic location: 15q21.1.
Variant type: Duplication.
Coding change: c.4874dup on transcript NM_025137.4 (MANE Select); coding-DNA position 4874, one base duplicated (T; older notation c.4874dupT).
Protein change: p.Phe1626fs; shifts the reading frame from phenylalanine 1626.
Molecular consequence: frameshift variant.
Genome position (GRCh38, 1-based): chr15:44,589,284, A duplicated on the plus strand (T on the coding strand, the reverse complement: SPG11 is on the minus strand). VCF-style (leftmost placement, unchanged base first): chr15-44589283-G-GA. GRCh37 (hg19) VCF-style: chr15-44881481-G-GA.
Other names: c.4874dup, p.Phe1626fs (NM_001160227.2, NM_001411132.1); short protein forms F1626fs.
Identifiers: ClinVar variation 2829056 (VCV002829056.3), dbSNP rs2505324418, ClinGen allele CA2739279542.

ClinVar aggregate classification (germline): Pathogenic (1 of 4 stars; one submission).

Conditions:
Hereditary spastic paraplegia 11. Also called: SPASTIC PARAPLEGIA, AUTOSOMAL RECESSIVE, COMPLICATED, WITH THIN CORPUS CALLOSUM; SPASTIC PARAPLEGIA, AUTOSOMAL RECESSIVE, WITH MENTAL IMPAIRMENT AND THIN CORPUS CALLOSUM; Spastic paraplegia, mental retardation and thin corpus callosum; Spastic Paraplegia 11; Nakamura Osame syndrome; Autosomal recessive hereditary spastic paraplegia, mental impairment, and thin corpus callosum. Identifiers: Orphanet 2822, MedGen C1858479, MONDO:0011445, OMIM 604360.

Submission:

Labcorp Genetics (formerly Invitae), Labcorp
Classification: Pathogenic for Hereditary spastic paraplegia 11. Last evaluated: 2025-07-14. Review status: criteria provided, single submitter. Criteria: Invitae Variant Classification Sherloc (09022015). Collection method: clinical testing. Allele origin: germline.
Comment: This sequence change creates a premature translational stop signal (p.Phe1626Leufs*3) in the SPG11 gene. It is expected to result in an absent or disrupted protein product. Loss-of-function variants in SPG11 are known to be pathogenic (PMID: 19105190, 20110243, 22154821, 26556829). This variant is not present in population databases (gnomAD no frequency). This variant has not been reported in the literature in individuals affected with SPG11-related conditions. ClinVar contains an entry for this variant (Variation ID: 2829056). For these reasons, this variant has been classified as Pathogenic.

Literature cited by the submitters: PubMed 19105190; PubMed 20110243; PubMed 22154821; PubMed 26556829.